The following is an entry in ClinVar:

ClinVar aggregate classification (germline): Benign/Likely benign. Review status: criteria provided, multiple submitters, no conflicts (2 of 4 stars). 24 submissions from 17 submitters: Benign (20); Likely benign (2). 2 of the submissions do not count toward it. Last evaluated 2026-02-04.

Conditions:
Cardiovascular phenotype. Identifiers: MedGen CN230736.
Dilated cardiomyopathy 1G (CMD1G). Identifiers: Orphanet 154, MedGen C1858763, MONDO:0011400, OMIM 604145.
Autosomal recessive limb-girdle muscular dystrophy type 2J (LGMDR10). Also called: MUSCULAR DYSTROPHY, LIMB-GIRDLE, AUTOSOMAL RECESSIVE 10; Limb-girdle muscular dystrophy, type 2J. Identifiers: Orphanet 140922, MedGen C1837342, MONDO:0012127, OMIM 608807.
Early-onset myopathy with fatal cardiomyopathy (CMYO5). Also called: CONGENITAL MYOPATHY 5 WITH CARDIOMYOPATHY; Salih Myopathy. Identifiers: Orphanet 289377, MedGen C2673677, MONDO:0012714, OMIM 611705. Disease mechanism: loss of function.
Myopathy, myofibrillar, 9, with early respiratory failure (MFM9). Also called: Myopathy, distal, with early respiratory failure, autosomal dominant; Hereditary myopathy with early respiratory failure; MYOPATHY, PROXIMAL, WITH EARLY RESPIRATORY MUSCLE INVOLVEMENT; EDSTROM MYOPATHY. Identifiers: Orphanet 178464, Orphanet 34521, MedGen C1863599, MONDO:0011362, OMIM 603689.
Tibial muscular dystrophy (TMD). Also called: Udd Distal Myopathy – Tibial Muscular Dystrophy; Tibial muscular dystrophy, tardive; UDD MYOPATHY. Identifiers: Orphanet 609, MedGen C1838244, MONDO:0010870, OMIM 600334.

Allele frequency attached by ClinVar (database versions not stated): ESP Exome Variant Server 0.21763; 1000 Genomes Project 0.34225; 1000 Genomes Project 30x 0.33573; gnomAD 0.24029; TOPMed 0.24672.
gnomAD v4.1: 312,728 of 1,613,426 alleles (19%); highest among the groups gnomAD compares: East Asian, 62%; 37,074 homozygotes.

Submissions (24):

Labcorp Genetics (formerly Invitae), Labcorp
Classification: Benign for Dilated cardiomyopathy 1G; Autosomal recessive limb-girdle muscular dystrophy type 2J. Last evaluated: 2026-02-04. Review status: criteria provided, single submitter. Criteria: Invitae Variant Classification Sherloc (09022015). Collection method: clinical testing. Allele origin: germline.

Molecular Diagnostic Laboratory for Inherited Cardiovascular Disease, Montreal Heart Institute
Classification: Benign. Last evaluated: 2025-04-09. Review status: criteria provided, single submitter. Criteria: ACMG Guidelines, 2015. Collection method: clinical testing. Allele origin: germline. Affected: no.
Comment: BA1

Genome-Nilou Lab
Classification: Benign for Autosomal recessive limb-girdle muscular dystrophy type 2J. Last evaluated: 2021-09-10. Review status: criteria provided, single submitter. Criteria: ACMG Guidelines, 2015. Collection method: clinical testing. Allele origin: germline. Affected: no.

Genome-Nilou Lab
Classification: Benign for Myopathy, myofibrillar, 9, with early respiratory failure. Last evaluated: 2021-09-10. Review status: criteria provided, single submitter. Criteria: ACMG Guidelines, 2015. Collection method: clinical testing. Allele origin: germline. Affected: no.

Genome-Nilou Lab
Classification: Benign for Early-onset myopathy with fatal cardiomyopathy. Last evaluated: 2021-09-10. Review status: criteria provided, single submitter. Criteria: ACMG Guidelines, 2015. Collection method: clinical testing. Allele origin: germline. Affected: no.

Genome-Nilou Lab
Classification: Benign for Tibial muscular dystrophy. Last evaluated: 2021-09-10. Review status: criteria provided, single submitter. Criteria: ACMG Guidelines, 2015. Collection method: clinical testing. Allele origin: germline. Affected: no.

Women's Health and Genetics/Laboratory Corporation of America, LabCorp
Classification: Likely benign. Last evaluated: 2020-08-18. Review status: criteria provided, single submitter. Criteria: LabCorp Variant Classification Summary - May 2015. Collection method: clinical testing. Allele origin: germline.

Athena Diagnostics
Classification: Benign. Last evaluated: 2018-11-02. Review status: criteria provided, single submitter. Criteria: Athena Diagnostics Criteria. Collection method: clinical testing. Allele origin: germline.

Illumina Laboratory Services, Illumina
Classification: Benign for Early-onset myopathy with fatal cardiomyopathy. Last evaluated: 2018-01-13. Review status: criteria provided, single submitter. Criteria: ICSL Variant Classification Criteria 13 December 2019. Collection method: clinical testing. Allele origin: germline.
Comment: This variant was observed in the ICSL laboratory as part of a predisposition screen in an ostensibly healthy population. It had not been previously curated by ICSL or reported in the Human Gene Mutation Database (HGMD: prior to June 1st, 2018), and was therefore a candidate for classification through an automated scoring system. Utilizing variant allele frequency, disease prevalence and penetrance estimates, and inheritance mode, an automated score was calculated to assess if this variant is too frequent to cause the disease. Based on the score and internal cut-off values, a variant classified as benign is not then subjected to further curation. The score for this variant resulted in a classification of benign for this disease.

Illumina Laboratory Services, Illumina
Classification: Benign for Dilated cardiomyopathy 1G. Last evaluated: 2018-01-13. Review status: criteria provided, single submitter. Criteria: ICSL Variant Classification Criteria 13 December 2019. Collection method: clinical testing. Allele origin: germline.
Comment: the same text as in the submission from Illumina Laboratory Services, Illumina above.

Illumina Laboratory Services, Illumina
Classification: Benign for Tibial muscular dystrophy. Last evaluated: 2018-01-13. Review status: criteria provided, single submitter. Criteria: ICSL Variant Classification Criteria 13 December 2019. Collection method: clinical testing. Allele origin: germline.
Comment: the same text as in the submission from Illumina Laboratory Services, Illumina above.

Illumina Laboratory Services, Illumina
Classification: Benign for Autosomal recessive limb-girdle muscular dystrophy type 2J. Last evaluated: 2018-01-13. Review status: criteria provided, single submitter. Criteria: ICSL Variant Classification Criteria 13 December 2019. Collection method: clinical testing. Allele origin: germline.
Comment: the same text as in the submission from Illumina Laboratory Services, Illumina above.

Illumina Laboratory Services, Illumina
Classification: Benign for Myopathy, myofibrillar, 9, with early respiratory failure. Last evaluated: 2018-01-13. Review status: criteria provided, single submitter. Criteria: ICSL Variant Classification Criteria 13 December 2019. Collection method: clinical testing. Allele origin: germline.
Comment: the same text as in the submission from Illumina Laboratory Services, Illumina above.

Mayo Clinic Laboratories, Mayo Clinic
Classification: Benign. Last evaluated: 2017-08-25. Review status: criteria provided, single submitter. Criteria: ACMG Guidelines, 2015. Collection method: clinical testing. Allele origin: germline. Observed: 853 variant alleles.

Genetic Services Laboratory, University of Chicago
Classification: Benign for AllHighlyPenetrant. Last evaluated: 2013-08-15. Review status: criteria provided, single submitter. Criteria: ACMG Guidelines, 2007. Collection method: clinical testing. Allele origin: germline.

Eurofins Ntd Llc (ga)
Classification: Benign. Last evaluated: 2013-07-24. Review status: criteria provided, single submitter. Criteria: EGL Classification Definitions 2015. Collection method: clinical testing. Allele origin: germline. Observed: 4 variant alleles, 4 heterozygotes.

Biesecker Lab/Clinical Genomics Section, National Institutes of Health
Classification: Benign. Last evaluated: 2013-06-24. Review status: criteria provided, single submitter. Criteria: Ng et al. (Circ Cardiovasc Genet. 2013). Collection method: research. Allele origin: unknown. Observed: 168 variant alleles. Study: ClinSeq.
Comment: The study set was not selected for affection status in relation to any cancer. Pathogenicity categories were based on literature curation. See Pubmed ID:23861362 for details.

Medical sequencing

Ambry Genetics
Classification: Benign for Cardiovascular phenotype. Last evaluated: 2013-01-16. Review status: criteria provided, single submitter. Criteria: Ambry Autosomal Dominant and X-Linked criteria (10/2015). Collection method: clinical testing. Allele origin: germline. Observed: 1 variant allele.

GeneDx
Classification: Benign. Last evaluated: 2012-10-31. Review status: criteria provided, single submitter. Criteria: GeneDx Variant Classification (06012015). Collection method: clinical testing. Allele origin: germline. Affected: yes.
Comment: This variant is considered likely benign or benign based on one or more of the following criteria: it is a conservative change, it occurs at a poorly conserved position in the protein, it is predicted to be benign by multiple in silico algorithms, and/or has population frequency not consistent with disease.

Laboratory for Molecular Medicine, Mass General Brigham Personalized Medicine
Classification: Benign. Last evaluated: 2012-04-11. Review status: criteria provided, single submitter. Criteria: LMM Criteria. Collection method: clinical testing. Allele origin: germline. Observed: 640 variant alleles.

Breakthrough Genomics
Classification: Likely benign. Review status: criteria provided, single submitter. Criteria: ACMG Guidelines, 2015. Collection method: not provided. Allele origin: germline. Inheritance: Autosomal recessive inheritance. Affected: yes.

PreventionGenetics, part of Exact Sciences
Classification: Benign. Review status: criteria provided, single submitter. Criteria: ACMG Guidelines, 2015. Collection method: clinical testing. Allele origin: germline.

Clinical Genetics DNA and cytogenetics Diagnostics Lab, Erasmus MC, Erasmus Medical Center
Classification: Benign. Review status: no assertion criteria provided. Collection method: clinical testing. Allele origin: germline. Affected: yes. Study: VKGL Data-share Consensus. Not counted in ClinVar's aggregate classification.

Clinical Genetics, Academic Medical Center
Classification: Benign. Review status: no assertion criteria provided. Collection method: clinical testing. Allele origin: germline. Affected: yes. Study: VKGL Data-share Consensus. Not counted in ClinVar's aggregate classification.

NM_001267550.2(TTN):c.79862C>T (p.Thr26621Met)

Genes: TTN (titin; minus strand), TTN-AS1 (TTN antisense RNA 1; plus strand). Cytogenetic location: 2q31.2.
Variant type: single nucleotide variant.
Coding change: c.79862C>T on transcript NM_001267550.2 (MANE Select); coding-DNA position 79862, C replaced by T.
Protein change: p.Thr26621Met; replaces threonine 26621 with methionine.
Molecular consequence: missense variant.
Genome position (GRCh38, 1-based): chr2:178,566,270, G>A on the plus strand (C>T on the coding strand, the complement: TTN is on the minus strand). VCF-style: chr2-178566270-G-A. GRCh37 (hg19) VCF-style: chr2-179430997-G-A.
Other names: p.T24980M:ACG>ATG; c.74939C>T, p.Thr24980Met (NM_001256850.1); c.52667C>T, p.Thr17556Met (NM_003319.4); c.72158C>T, p.Thr24053Met (NM_133378.4); c.53042C>T, p.Thr17681Met (NM_133432.3); c.53243C>T, p.Thr17748Met (NM_133437.4); short protein forms T26621M, T24053M, T24980M, T17556M, T17681M, T17748M.
Identifiers: ClinVar variation 47382 (VCV000047382.37), dbSNP rs3731746, ClinGen allele CA283849.